The following is an entry in ClinVar:

ClinVar aggregate classification (germline): Pathogenic (1 of 4 stars; one submission).

Conditions:
Familial adenomatous polyposis 1 (FAP1). Also called: POLYPOSIS, ADENOMATOUS INTESTINAL; FAMILIAL ADENOMATOUS POLYPOSIS 1, ATTENUATED. Identifiers: MedGen C2713442, MONDO:0021056, OMIM 175100. Disease mechanism: loss of function.

Submission:

Myriad Genetics, Inc.
Classification: Pathogenic for Familial adenomatous polyposis 1. Last evaluated: 2023-05-16. Review status: criteria provided, single submitter. Criteria: Myriad Autosomal Dominant, Autosomal Recessive and X-Linked Classification Criteria (2023). Collection method: clinical testing. Allele origin: unknown.
Comment: This variant is considered pathogenic. This variant creates a frameshift predicted to result in premature protein truncation.

NM_000038.6(APC):c.7144dup (p.Thr2382fs)

Gene: APC (APC regulator of Wnt signaling pathway; plus strand). Cytogenetic location: 5q22.2.
Variant type: Duplication.
Coding change: c.7144dup on transcript NM_000038.6 (MANE Select); coding-DNA position 7144, one base duplicated (A; older notation c.7144dupA).
Protein change: p.Thr2382fs; shifts the reading frame from threonine 2382.
Molecular consequence: frameshift variant. On other transcripts: non-coding transcript variant (2).
Genome position (GRCh38, 1-based): chr5:112,842,738, A duplicated; the last of 3 consecutive A bases (chr5:112,842,736-112,842,738); duplicating any one gives the same sequence. VCF-style (leftmost placement, unchanged base first): chr5-112842735-C-CA. GRCh37 (hg19) VCF-style: chr5-112178432-C-CA.
Other names: c.7144dup, p.Thr2382fs (NM_001127510.3, NM_001354895.2, NM_001407450.1); c.7090dup, p.Thr2364fs (NM_001127511.3); c.7198dup, p.Thr2400fs (NM_001354896.2, NM_001407447.1, NM_001407448.1 and 1 more transcripts); c.7174dup, p.Thr2392fs (NM_001354897.2); c.7069dup, p.Thr2357fs (NM_001354898.2); c.7060dup, p.Thr2354fs (NM_001354899.2); c.7021dup, p.Thr2341fs (NM_001354900.2); c.6967dup, p.Thr2323fs (NM_001354901.2, NM_001407453.1); and 11 more; short protein forms T1998fs, T2099fs, T2222fs, T2253fs, T2256fs, T2281fs, T2291fs, T2299fs.
Identifiers: ClinVar variation 2583187 (VCV002583187.2), dbSNP rs2533771759, ClinGen allele CA2582341619.